The following is an entry in ClinVar:

ClinVar aggregate classification (germline): Conflicting classifications of pathogenicity. Review status: criteria provided, conflicting classifications (1 of 4 stars). 4 submissions from 4 submitters: Uncertain significance (3); Likely benign (1). Last evaluated 2026-07-01.

Conditions:
Inborn genetic diseases. Identifiers: MedGen C0950123, MeSH D030342.
Isolated microphthalmia 5. Also called: Posterior Microphthalmia with Retinitis Pigmentosa, Foveoschisis, and Optic Disc Drusen. Identifiers: Orphanet 251279, MedGen C1970236, MONDO:0012605, OMIM 611040.

Allele frequency attached by ClinVar (database versions not stated): gnomAD 0.00002; ExAC 0.00011; gnomAD exomes 0.00012 and 0.00003; ESP Exome Variant Server 0.00015; TOPMed 0.00004.
gnomAD v4.1: 40 of 1,613,530 alleles (0.0025%); highest among the groups gnomAD compares: Admixed American, 0.053%; no homozygotes.

Submissions (4):

CeGaT Center for Human Genetics Tuebingen
Classification: Uncertain significance. Last evaluated: 2026-07-01. Review status: criteria provided, single submitter. Criteria: CeGaT Center For Human Genetics Tuebingen Variant Classification Criteria Version 2. Collection method: clinical testing. Allele origin: germline. Affected: yes. Observed: 1 variant allele.
Comment: MFRP: PM2, PP3

Ambry Genetics
Classification: Uncertain significance for Inborn genetic diseases. Last evaluated: 2026-04-30. Review status: criteria provided, single submitter. Criteria: Ambry Variant Classification Scheme 2023. Collection method: clinical testing. Allele origin: germline.

Labcorp Genetics (formerly Invitae), Labcorp
Classification: Uncertain significance for Isolated microphthalmia 5. Last evaluated: 2022-09-27. Review status: criteria provided, single submitter. Criteria: Invitae Variant Classification Sherloc (09022015). Collection method: clinical testing. Allele origin: germline.
Comment: This sequence change replaces aspartic acid, which is acidic and polar, with asparagine, which is neutral and polar, at codon 448 of the MFRP protein (p.Asp448Asn). The frequency data for this variant in the population databases is considered unreliable, as metrics indicate poor data quality at this position in the gnomAD database. This variant has not been reported in the literature in individuals affected with MFRP-related conditions. ClinVar contains an entry for this variant (Variation ID: 936908). Advanced modeling of protein sequence and biophysical properties (such as structural, functional, and spatial information, amino acid conservation, physicochemical variation, residue mobility, and thermodynamic stability) performed at Invitae indicates that this missense variant is not expected to disrupt MFRP protein function. In summary, the available evidence is currently insufficient to determine the role of this variant in disease. Therefore, it has been classified as a Variant of Uncertain Significance.

Blueprint Genetics
Classification: Likely benign. Last evaluated: 2022-05-30. Review status: criteria provided, single submitter. Criteria: ACMG Guidelines, 2015. Collection method: clinical testing. Allele origin: germline.

NM_031433.4(MFRP):c.1342G>A (p.Asp448Asn)

Genes: C1QTNF5 (C1q and TNF related 5; minus strand), MFRP (membrane frizzled-related protein; minus strand). Cytogenetic location: 11q23.3.
Variant type: single nucleotide variant.
Coding change: c.1342G>A on transcript NM_031433.4 (MANE Select); coding-DNA position 1342, G replaced by A.
Protein change: p.Asp448Asn; replaces aspartic acid 448 with asparagine.
Molecular consequence: missense variant. On other transcripts: 5 prime UTR variant (1).
Genome position (GRCh38, 1-based): chr11:119,342,641, C>T on the plus strand (G>A on the coding strand, the complement: MFRP is on the minus strand). VCF-style: chr11-119342641-C-T. GRCh37 (hg19) VCF-style: chr11-119213351-C-T.
Other names: c.-1295G>A (NM_015645.5); short protein forms D448N.
Identifiers: ClinVar variation 936908 (VCV000936908.9), dbSNP rs142846614, ClinGen allele CA6320146.
Genomic context (GRCh38, chr11:119,342,641, plus strand): 5'-GGGCAGGCTTCTCACCTGGGGGTGGGAACAAGGGGCCGCTGCAGTTGTCATCGCTGCCAT[C>T]GGTGCAGTCTCTCCACATGTCACACATCCACTGCACACCCTTACACCCTCCTGCCTGGCA-3'
Protein context (NP_113621.1, residues 438-458): WMCDMWRDCT[Asp448Asn]GSDDNCSGPL